The following is an entry in ClinVar:

ClinVar aggregate classification (germline): Uncertain significance (1 of 4 stars; one submission).

Allele frequency attached by ClinVar (database versions not stated): gnomAD exomes below 0.00001 and 0.00001.
gnomAD v4.1: 1 of 1,199,492 alleles (0.000083%); highest among the groups gnomAD compares: Middle Eastern, 0.023%; no homozygotes.

Submission:

Labcorp Genetics (formerly Invitae), Labcorp
Classification: Uncertain significance. Last evaluated: 2019-09-17. Review status: criteria provided, single submitter. Criteria: Invitae Variant Classification Sherloc (09022015). Collection method: clinical testing. Allele origin: germline.
Comment: In summary, the available evidence is currently insufficient to determine the role of this variant in disease. Therefore, it has been classified as a Variant of Uncertain Significance. Algorithms developed to predict the effect of missense changes on protein structure and function (SIFT, PolyPhen-2, Align-GVGD) all suggest that this variant is likely to be tolerated, but these predictions have not been confirmed by published functional studies and their clinical significance is uncertain. This variant has not been reported in the literature in individuals with NONO-related conditions. This variant is not present in population databases (ExAC no frequency). This sequence change replaces threonine with serine at codon 424 of the NONO protein (p.Thr424Ser). The threonine residue is weakly conserved and there is a small physicochemical difference between threonine and serine.

NM_007363.5(NONO):c.1271C>G (p.Thr424Ser)

Gene: NONO (non-POU domain containing octamer binding; plus strand). Cytogenetic location: Xq13.1.
Variant type: single nucleotide variant.
Coding change: c.1271C>G on transcript NM_007363.5 (MANE Select); coding-DNA position 1271, C replaced by G.
Protein change: p.Thr424Ser; replaces threonine 424 with serine.
Molecular consequence: missense variant.
Genome position (GRCh38, 1-based): chrX:71,298,806, C>G. VCF-style: chrX-71298806-C-G. GRCh37 (hg19) VCF-style: chrX-70518656-C-G.
Other names: c.1271C>G, p.Thr424Ser (NM_001145408.2, NM_001145409.2); c.1004C>G, p.Thr335Ser (NM_001145410.2); short protein forms T335S, T424S.
Identifiers: ClinVar variation 942723 (VCV000942723.9), dbSNP rs1272380798, ClinGen allele CA413549610.
Genomic context (GRCh38, chrX:71,298,806, plus strand): 5'-CTCCTGTGCCAGCTGGTACCCCAGCTCCTCCAGGACCTGCCACTATGATGCCGGATGGAA[C>G]TTTGGGATTGGTAATAAAACTGCAGTGCCTTAACAGTAATTCTAAATGGTGGTAGGAGGA-3'
Protein context (NP_031389.3, residues 414-434): PGPATMMPDG[Thr424Ser]LGLTPPTTER